The following is an entry in ClinVar:

ClinVar aggregate classification (germline): Uncertain significance (1 of 4 stars; one submission).

gnomAD v4.1: 53 of 1,613,436 alleles (0.0033%); highest among the groups gnomAD compares: Non-Finnish European, 0.0021%; no homozygotes.

Submission:

Labcorp Genetics (formerly Invitae), Labcorp
Classification: Uncertain significance. Last evaluated: 2025-03-11. Review status: criteria provided, single submitter. Criteria: Invitae Variant Classification Sherloc (09022015). Collection method: clinical testing. Allele origin: germline.
Comment: This sequence change replaces histidine, which is basic and polar, with arginine, which is basic and polar, at codon 1336 of the COL4A4 protein (p.His1336Arg). This variant is present in population databases (rs764116548, gnomAD 0.03%). This variant has not been reported in the literature in individuals affected with COL4A4-related conditions. Invitae Evidence Modeling of protein sequence and biophysical properties (such as structural, functional, and spatial information, amino acid conservation, physicochemical variation, residue mobility, and thermodynamic stability) indicates that this missense variant is not expected to disrupt COL4A4 protein function with a negative predictive value of 95%. In summary, the available evidence is currently insufficient to determine the role of this variant in disease. Therefore, it has been classified as a Variant of Uncertain Significance.

NM_000092.5(COL4A4):c.4007A>G (p.His1336Arg)

Gene: COL4A4 (collagen type IV alpha 4 chain; minus strand). Cytogenetic location: 2q36.3.
Variant type: single nucleotide variant.
Coding change: c.4007A>G on transcript NM_000092.5 (MANE Select); coding-DNA position 4007, A replaced by G.
Protein change: p.His1336Arg; replaces histidine 1336 with arginine.
Molecular consequence: missense variant.
Genome position (GRCh38, 1-based): chr2:227,027,976, T>C on the plus strand (A>G on the coding strand, the complement: COL4A4 is on the minus strand). VCF-style: chr2-227027976-T-C. GRCh37 (hg19) VCF-style: chr2-227892692-T-C.
Other names: short protein forms H1336R.
Identifiers: ClinVar variation 4745487 (VCV004745487.1).